The following is an entry in ClinVar:

ClinVar aggregate classification (germline): Uncertain significance. Review status: criteria provided, multiple submitters, no conflicts (2 of 4 stars). 2 submissions from 2 submitters: Uncertain significance (2). Last evaluated 2021-10-15.

Conditions:
Familial thoracic aortic aneurysm and aortic dissection (TAAD). Also called: Thoracic aortic aneurysms and dissections. Identifiers: Orphanet 91387, MedGen C4707243, MONDO:0019625.
Marfan syndrome (MFS). Also called: FBN1-Related Marfan Syndrome; Marfan's syndrome; MARFAN SYNDROME, TYPE I; Marfan syndrome type 1; Marfan syndrome, classic. Identifiers: Orphanet 284963, Orphanet 558, MedGen C0024796, MONDO:0007947, OMIM 154700.

Allele frequency attached by ClinVar (database versions not stated): TOPMed below 0.00001; gnomAD 0.00001.
gnomAD v4.1: 1 of 1,612,936 alleles (0.000062%); no homozygotes.

Submissions (2):

Ambry Genetics
Classification: Uncertain significance for Familial thoracic aortic aneurysm and aortic dissection. Last evaluated: 2021-10-15. Review status: criteria provided, single submitter. Criteria: Ambry Variant Classification Scheme 2023. Collection method: clinical testing. Allele origin: germline.
Comment: The p.S1583A variant (also known as c.4747T>G), located in coding exon 37 of the FBN1 gene, results from a T to G substitution at nucleotide position 4747. The amino acid change results in serine to alanine at codon 1583, an amino acid with similar properties. However, this change occurs in the last base pair of coding exon 37, which makes it likely to have some effect on normal mRNA splicing. This amino acid position is not well conserved in available vertebrate species. In addition, this alteration is predicted to be tolerated by in silico analysis. Since supporting evidence is limited at this time, the clinical significance of this alteration remains unclear.

Labcorp Genetics (formerly Invitae), Labcorp
Classification: Uncertain significance for Marfan syndrome; Familial thoracic aortic aneurysm and aortic dissection. Last evaluated: 2021-04-17. Review status: criteria provided, single submitter. Criteria: Invitae Variant Classification Sherloc (09022015). Collection method: clinical testing. Allele origin: germline.
Comment: This sequence change replaces serine with alanine at codon 1583 of the FBN1 protein (p.Ser1583Ala). The serine residue is moderately conserved and there is a moderate physicochemical difference between serine and alanine. This variant is not present in population databases (ExAC no frequency). In summary, the available evidence is currently insufficient to determine the role of this variant in disease. Therefore, it has been classified as a Variant of Uncertain Significance. Algorithms developed to predict the effect of sequence changes on RNA splicing suggest that this variant may create or strengthen a splice site, but this prediction has not been confirmed by published transcriptional studies. Algorithms developed to predict the effect of missense changes on protein structure and function are either unavailable or do not agree on the potential impact of this missense change (SIFT: "Deleterious"; PolyPhen-2: "Benign"; Align-GVGD: "Class C0"). This variant has not been reported in the literature in individuals with FBN1-related conditions.

NM_000138.5(FBN1):c.4747T>G (p.Ser1583Ala)

Gene: FBN1 (fibrillin 1; minus strand). Cytogenetic location: 15q21.1.
Variant type: single nucleotide variant.
Coding change: c.4747T>G on transcript NM_000138.5 (MANE Select); coding-DNA position 4747, T replaced by G.
Protein change: p.Ser1583Ala; replaces serine 1583 with alanine.
Molecular consequence: missense variant.
Genome position (GRCh38, 1-based): chr15:48,467,938, A>C on the plus strand (T>G on the coding strand, the complement: FBN1 is on the minus strand). VCF-style: chr15-48467938-A-C. GRCh37 (hg19) VCF-style: chr15-48760135-A-C.
Other names: short protein forms S1583A.
Identifiers: ClinVar variation 847220 (VCV000847220.11), dbSNP rs959567666, ClinGen allele CA269551608.